The following is an entry in ClinVar:

NM_006846.4(SPINK5):c.788A>C (p.Glu263Ala)

Gene: SPINK5 (serine peptidase inhibitor Kazal type 5; plus strand). Cytogenetic location: 5q32.
Variant type: single nucleotide variant.
Coding change: c.788A>C on transcript NM_006846.4 (MANE Select); coding-DNA position 788, A replaced by C.
Protein change: p.Glu263Ala; replaces glutamic acid 263 with alanine.
Molecular consequence: missense variant.
Genome position (GRCh38, 1-based): chr5:148,094,475, A>C. VCF-style: chr5-148094475-A-C. GRCh37 (hg19) VCF-style: chr5-147474038-A-C.
Other names: c.788A>C, p.Glu263Ala (NM_001127698.2, NM_001127699.2); short protein forms E263A.
Identifiers: ClinVar variation 1003180 (VCV001003180.9), dbSNP rs1753402958, ClinGen allele CA361634678.
Genomic context (GRCh38, chr5:148,094,475, plus strand): 5'-GTGATCCAGTCCGTGGCCCTGACGGCAGGATGCATGGCAACAAATGTGCCCTGTGTGCTG[A>C]AATTTTGTGAGTATAGAAGTGGTTTTTTCAGAGTGATTCAAAGGGTGGGAGTGGAGATTG-3'
Protein context (NP_006837.2, residues 253-273): MHGNKCALCA[Glu263Ala]IFKQRFSEEN

ClinVar aggregate classification (germline): Uncertain significance (1 of 4 stars; one submission).

Conditions:
Ichthyosis linearis circumflexa. Identifiers: MedGen C0265962, MONDO:0043106, HP:0025810.

Submission:

Labcorp Genetics (formerly Invitae), Labcorp
Classification: Uncertain significance for Ichthyosis linearis circumflexa. Last evaluated: 2022-06-27. Review status: criteria provided, single submitter. Criteria: Invitae Variant Classification Sherloc (09022015). Collection method: clinical testing. Allele origin: germline.
Comment: This sequence change replaces glutamic acid, which is acidic and polar, with alanine, which is neutral and non-polar, at codon 263 of the SPINK5 protein (p.Glu263Ala). This variant is not present in population databases (gnomAD no frequency). In summary, the available evidence is currently insufficient to determine the role of this variant in disease. Therefore, it has been classified as a Variant of Uncertain Significance. Algorithms developed to predict the effect of missense changes on protein structure and function (SIFT, PolyPhen-2, Align-GVGD) all suggest that this variant is likely to be tolerated. ClinVar contains an entry for this variant (Variation ID: 1003180). This variant has not been reported in the literature in individuals affected with SPINK5-related conditions.